The following is an entry in ClinVar:

NM_001267550.2(TTN):c.3868G>A (p.Glu1290Lys)

Genes: TTN (titin; minus strand), LOC101927055 (uncharacterized LOC101927055; plus strand). Cytogenetic location: 2q31.2.
Variant type: single nucleotide variant.
Coding change: c.3868G>A on transcript NM_001267550.2 (MANE Select); coding-DNA position 3868, G replaced by A.
Protein change: p.Glu1290Lys; replaces glutamic acid 1290 with lysine.
Molecular consequence: missense variant.
Genome position (GRCh38, 1-based): chr2:178,779,324, C>T on the plus strand (G>A on the coding strand, the complement: TTN is on the minus strand). VCF-style: chr2-178779324-C-T. GRCh37 (hg19) VCF-style: chr2-179644051-C-T.
Other names: c.3868G>A, p.Glu1290Lys (NM_001256850.1, NM_133378.4, NM_133379.5); c.3730G>A, p.Glu1244Lys (NM_133432.3, NM_133437.4, NM_003319.4); short protein forms E1244K, E1290K.
Identifiers: ClinVar variation 264610 (VCV000264610.9), dbSNP rs748755381, ClinGen allele CA2005455.

ClinVar aggregate classification (germline): Uncertain significance. Review status: criteria provided, multiple submitters, no conflicts (2 of 4 stars). 3 submissions from 3 submitters: Uncertain significance (3). Last evaluated 2022-12-09.

Conditions:
Dilated cardiomyopathy 1G (CMD1G). Identifiers: Orphanet 154, MedGen C1858763, MONDO:0011400, OMIM 604145.
Tibial muscular dystrophy (TMD). Also called: UDD MYOPATHY; Udd Distal Myopathy – Tibial Muscular Dystrophy; Tibial muscular dystrophy, tardive. Identifiers: Orphanet 609, MedGen C1838244, MONDO:0010870, OMIM 600334.
Early-onset myopathy with fatal cardiomyopathy (CMYO5). Also called: Salih Myopathy; CONGENITAL MYOPATHY 5 WITH CARDIOMYOPATHY. Identifiers: Orphanet 289377, MedGen C2673677, MONDO:0012714, OMIM 611705. Disease mechanism: loss of function.
Autosomal recessive limb-girdle muscular dystrophy type 2J (LGMDR10). Also called: Limb-girdle muscular dystrophy, type 2J; MUSCULAR DYSTROPHY, LIMB-GIRDLE, AUTOSOMAL RECESSIVE 10. Identifiers: Orphanet 140922, MedGen C1837342, MONDO:0012127, OMIM 608807.
Hypertrophic cardiomyopathy 9. Also called: Familial hypertrophic cardiomyopathy 9. Identifiers: MedGen C1861065, MONDO:0013412, OMIM 613765.
Myopathy, myofibrillar, 9, with early respiratory failure (MFM9). Also called: Hereditary myopathy with early respiratory failure; EDSTROM MYOPATHY; MYOPATHY, PROXIMAL, WITH EARLY RESPIRATORY MUSCLE INVOLVEMENT; Myopathy, distal, with early respiratory failure, autosomal dominant. Identifiers: Orphanet 178464, Orphanet 34521, MedGen C1863599, MONDO:0011362, OMIM 603689.
Cardiovascular phenotype. Identifiers: MedGen CN230736.

Allele frequency attached by ClinVar (database versions not stated): gnomAD 0.00001 and 0.00002; TOPMed 0.00001.
gnomAD v4.1: 10 of 1,613,286 alleles (0.00062%); highest among the groups gnomAD compares: Non-Finnish European, 0.00085%; no homozygotes.

Submissions (3):

Revvity Omics, Revvity
Classification: Uncertain significance. Last evaluated: 2022-12-09. Review status: criteria provided, single submitter. Criteria: ACMG Guidelines, 2015. Collection method: clinical testing. Allele origin: germline.

Fulgent Genetics
Classification: Uncertain significance for Tibial muscular dystrophy; Myopathy, myofibrillar, 9, with early respiratory failure; Dilated cardiomyopathy 1G; Autosomal recessive limb-girdle muscular dystrophy type 2J; Early-onset myopathy with fatal cardiomyopathy; Hypertrophic cardiomyopathy 9. Last evaluated: 2021-07-09. Review status: criteria provided, single submitter. Criteria: ACMG Guidelines, 2015. Collection method: clinical testing. Allele origin: unknown.

Ambry Genetics
Classification: Uncertain significance for Cardiovascular phenotype. Last evaluated: 2015-12-24. Review status: criteria provided, single submitter. Criteria: Ambry Variant Classification Scheme 2023. Collection method: clinical testing. Allele origin: germline.
Comment: The p.E1244K variant (also known as c.3730G>A), located in coding exon 21 of the TTN gene, results from a G to A substitution at nucleotide position 3730. The glutamic acid at codon 1244 is replaced by lysine, an amino acid with similar properties. Based on data from ExAC, the A allele was reported in 2 of 119796 (0.002%) total alleles (Exome Aggregation Consortium (ExAC), Cambridge, MA (URL) [Accessed December 22, 2015]). This variant was not reported in population based cohorts in the following databases: Database of Single Nucleotide Polymorphisms (dbSNP), NHLBI Exome Sequencing Project (ESP), and 1000 Genomes Project. In the ESP, this variant was not observed in 6500 samples (13000 alleles) with coverage at this position. This amino acid position is not well conserved in available vertebrate species. In addition, this alteration is predicted to be benign by PolyPhen in silico analysis. Since supporting evidence is limited at this time, the clinical significance of this variant remains unclear.